The following is an entry in ClinVar:

NM_032043.3(BRIP1):c.1628+6T>G

Gene: BRIP1 (BRCA1 interacting DNA helicase 1; minus strand). Cytogenetic location: 17q23.2.
Variant type: single nucleotide variant.
Coding change: c.1628+6T>G on transcript NM_032043.3 (MANE Select); 6 bases into the intron after coding-DNA position 1628, T replaced by G.
Molecular consequence: intron variant.
Genome position (GRCh38, 1-based): chr17:61,784,264, A>C on the plus strand (T>G on the coding strand, the complement: BRIP1 is on the minus strand). VCF-style: chr17-61784264-A-C. GRCh37 (hg19) VCF-style: chr17-59861625-A-C.
Identifiers: ClinVar variation 852006 (VCV000852006.10), dbSNP rs1567816699, ClinGen allele CA916081908.

ClinVar aggregate classification (germline): Uncertain significance (1 of 4 stars; one submission).

Conditions:
Familial cancer of breast. Also called: hereditary breast carcinoma; BREAST CANCER, FAMILIAL; Hereditary breast cancer. Identifiers: Orphanet 227535, MedGen C0346153, MONDO:0016419, OMIM 114480. Disease mechanism: loss of function.
Fanconi anemia complementation group J. Also called: BRIP1-Related Fanconi Anemia. Identifiers: Orphanet 84, MedGen C1836860, MONDO:0012187, OMIM 609054.

Submission:

Labcorp Genetics (formerly Invitae), Labcorp
Classification: Uncertain significance for Familial cancer of breast; Fanconi anemia complementation group J. Last evaluated: 2021-03-02. Review status: criteria provided, single submitter. Criteria: Invitae Variant Classification Sherloc (09022015). Collection method: clinical testing. Allele origin: germline.
Comment: This sequence change falls in intron 11 of the BRIP1 gene. It does not directly change the encoded amino acid sequence of the BRIP1 protein, but it affects a nucleotide within the consensus splice site of the intron. This variant is not present in population databases (ExAC no frequency). This variant has not been reported in the literature in individuals with BRIP1-related conditions. Nucleotide substitutions within the consensus splice site are a relatively common cause of aberrant splicing (PMID: 17576681, 9536098). Algorithms developed to predict the effect of sequence changes on RNA splicing suggest that this variant is not likely to affect RNA splicing, but this prediction has not been confirmed by published transcriptional studies. In summary, the available evidence is currently insufficient to determine the role of this variant in disease. Therefore, it has been classified as a Variant of Uncertain Significance.

Literature cited by the submitters: PubMed 17576681; PubMed 9536098.